The following is an entry in ClinVar:

NM_080680.3(COL11A2):c.3697C>T (p.Arg1233Cys)

Gene: COL11A2 (collagen type XI alpha 2 chain; minus strand). Cytogenetic location: 6p21.32.
Variant type: single nucleotide variant.
Coding change: c.3697C>T on transcript NM_080680.3 (MANE Select); coding-DNA position 3697, C replaced by T.
Protein change: p.Arg1233Cys; replaces arginine 1233 with cysteine.
Molecular consequence: missense variant.
Genome position (GRCh38, 1-based): chr6:33,169,484, G>A on the plus strand (C>T on the coding strand, the complement: COL11A2 is on the minus strand). VCF-style: chr6-33169484-G-A. GRCh37 (hg19) VCF-style: chr6-33137261-G-A.
Other names: c.3376C>T, p.Arg1126Cys (NM_080679.3); c.3439C>T, p.Arg1147Cys (NM_080681.3); short protein forms R1126C, R1233C, R1147C.
Identifiers: ClinVar variation 1031066 (VCV001031066.8), dbSNP rs780613380, ClinGen allele CA3750394.

ClinVar aggregate classification (germline): Conflicting classifications of pathogenicity. Review status: criteria provided, conflicting classifications (1 of 4 stars). 4 submissions from 4 submitters: Uncertain significance (3); Likely benign (1). Last evaluated 2026-01-05.

Conditions:
Otospondylomegaepiphyseal dysplasia, autosomal recessive (OSMEDB). Also called: CHONDRODYSTROPHY WITH SENSORINEURAL DEAFNESS; Insley-Astley syndrome. Identifiers: Orphanet 1427, MedGen CN034493, MONDO:0044206, OMIM 215150.

Allele frequency attached by ClinVar (database versions not stated): gnomAD 0.00001; gnomAD exomes 0.00001 and 0.00002; TOPMed 0.00001; ExAC 0.00002.
gnomAD v4.1: 14 of 1,612,632 alleles (0.00087%); highest among the groups gnomAD compares: Middle Eastern, 0.016%; no homozygotes.

Submissions (4):

Labcorp Genetics (formerly Invitae), Labcorp
Classification: Likely benign. Last evaluated: 2026-01-05. Review status: criteria provided, single submitter. Criteria: Invitae Variant Classification Sherloc (09022015). Collection method: clinical testing. Allele origin: germline.

Women's Health and Genetics/Laboratory Corporation of America, LabCorp
Classification: Uncertain significance. Last evaluated: 2025-02-19. Review status: criteria provided, single submitter. Criteria: LabCorp Variant Classification Summary - May 2015. Collection method: clinical testing. Allele origin: germline.
Comment: Variant summary: COL11A2 c.3697C>T (p.Arg1233Cys) results in a non-conservative amino acid change in the encoded protein sequence. Five of five in-silico tools predict a damaging effect of the variant on protein function. The variant allele was found at a frequency of 2e-05 in 246330 control chromosomes (gnomAD). The available data on variant occurrences in the general population are insufficient to allow any conclusion about variant significance. To our knowledge, no occurrence of c.3697C>T in individuals affected with COL11A2-Related Disorders and no experimental evidence demonstrating its impact on protein function have been reported. ClinVar contains an entry for this variant (Variation ID: 1031066). Based on the evidence outlined above, the variant was classified as uncertain significance.

Baylor Genetics
Classification: Uncertain significance for Otospondylomegaepiphyseal dysplasia, autosomal recessive. Last evaluated: 2020-05-05. Review status: criteria provided, single submitter. Criteria: ACMG Guidelines, 2015. Collection method: clinical testing. Allele origin: unknown. Affected: yes.
Comment: This variant was determined to be of uncertain significance according to ACMG Guidelines, 2015 [PMID:25741868].

GeneDx
Classification: Uncertain significance. Last evaluated: 2019-06-03. Review status: criteria provided, single submitter. Criteria: GeneDx Variant Classification Process June 2021. Collection method: clinical testing. Allele origin: germline. Affected: yes.
Comment: Has not been previously published as pathogenic or benign to our knowledge; Not observed at a significant frequency in large population cohorts (Lek et al., 2016); In silico analysis, which includes protein predictors and evolutionary conservation, supports a deleterious effect